The following is an entry in ClinVar:

ClinVar aggregate classification (germline): Likely pathogenic (1 of 4 stars; one submission).

Conditions:
Immunodeficiency, common variable, 1. Also called: ANTIBODY DEFICIENCY DUE TO ICOS DEFECT. Identifiers: Orphanet 1572, Orphanet 695183, MedGen C3149378, MONDO:0011864, OMIM 607594.

Submission:

Neuberg Centre For Genomic Medicine, NCGM
Classification: Likely pathogenic for Immunodeficiency, common variable, 1. Review status: criteria provided, single submitter. Criteria: ACMG Guidelines, 2015. Collection method: clinical testing. Allele origin: germline. Inheritance: Autosomal recessive inheritance. Affected: yes.
Comment: The frameshift deletion p.D46Lfs*10 in ICOS (NM_012092.4) has not been reported previously as a pathogenic variant nor as a benign variant, to our knowledge. The p.D46Lfs*10 variant is novel (not in any individuals) in gnomAD Exomes. This variant is predicted to cause loss of normal protein function through protein truncation caused a frameshift mutation. The frame shifted sequence continues 10 residues until a stop codon is reached. The p.D46Lfs*10 variant is a loss of function variant in the gene ICOS, which is intolerant of Loss of Function variants. For these reasons, this variant has been classified as Likely Pathogenic.

NM_012092.4(ICOS):c.136_139del (p.Asp46fs)

Gene: ICOS (inducible T cell costimulator; plus strand). Cytogenetic location: 2q33.2.
Variant type: Deletion.
Coding change: c.136_139del on transcript NM_012092.4 (MANE Select); coding-DNA positions 136 to 139, 4 bases deleted (GACA; older notation c.136_139delGACA).
Protein change: p.Asp46fs; shifts the reading frame from aspartic acid 46.
Molecular consequence: frameshift variant.
Genome position (GRCh38, 1-based): chr2:203,955,713-203,955,716, GACA deleted. VCF-style (leftmost placement, unchanged base first): chr2-203955712-TGACA-T. GRCh37 (hg19) VCF-style: chr2-204820435-TGACA-T.
Other names: short protein forms D46fs.
Identifiers: ClinVar variation 2585218 (VCV002585218.1), dbSNP rs2469806956, ClinGen allele CA2582342053.
Genomic context (GRCh38, chr2:203,955,712, plus strand): 5'-TGCCAATTATGAGATGTTTATATTTCACAACGGAGGTGTACAAATTTTATGCAAATATCC[TGACA>T]TTGTCCAGCAATTTAAAATGCAGTTGCTGAAAGGGGGGCAAATACTCTGCGATCTCACTA-3'